The following is an entry in ClinVar:

NM_000293.3(PHKB):c.2320G>C (p.Gly774Arg)

Gene: PHKB (phosphorylase kinase regulatory subunit beta; plus strand). Cytogenetic location: 16q12.1.
Variant type: single nucleotide variant.
Coding change: c.2320G>C on transcript NM_000293.3 (MANE Select); coding-DNA position 2320, G replaced by C.
Protein change: p.Gly774Arg; replaces glycine 774 with arginine.
Molecular consequence: missense variant.
Genome position (GRCh38, 1-based): chr16:47,663,718, G>C. VCF-style: chr16-47663718-G-C. GRCh37 (hg19) VCF-style: chr16-47697629-G-C.
Other names: c.2299G>C, p.Gly767Arg (NM_001031835.3); c.2320G>C, p.Gly774Arg (NM_001363837.1); short protein forms G767R, G774R.
Identifiers: ClinVar variation 2089001 (VCV002089001.1), dbSNP rs376460568, ClinGen allele CA280218354.

ClinVar aggregate classification (germline): Uncertain significance (1 of 4 stars; one submission).

Conditions:
Glycogen storage disease IXb (GSD9B). Also called: PHOSPHORYLASE KINASE DEFICIENCY OF LIVER AND MUSCLE, AUTOSOMAL RECESSIVE; GLYCOGENOSIS OF LIVER AND MUSCLE, AUTOSOMAL RECESSIVE; GSD IXb. Identifiers: Orphanet 79240, MedGen C0543514, MONDO:0009868, OMIM 261750.

Allele frequency attached by ClinVar (database versions not stated): TOPMed 0.00002; ESP Exome Variant Server 0.00008.

Submission:

Labcorp Genetics (formerly Invitae), Labcorp
Classification: Uncertain significance for Glycogen storage disease IXb. Last evaluated: 2022-04-28. Review status: criteria provided, single submitter. Criteria: Invitae Variant Classification Sherloc (09022015). Collection method: clinical testing. Allele origin: germline.
Comment: This sequence change replaces glycine, which is neutral and non-polar, with arginine, which is basic and polar, at codon 774 of the PHKB protein (p.Gly774Arg). This variant is not present in population databases (gnomAD no frequency). This variant has not been reported in the literature in individuals affected with PHKB-related conditions. Algorithms developed to predict the effect of missense changes on protein structure and function are either unavailable or do not agree on the potential impact of this missense change (SIFT: "Deleterious"; PolyPhen-2: "Possibly Damaging"; Align-GVGD: "Class C0"). In summary, the available evidence is currently insufficient to determine the role of this variant in disease. Therefore, it has been classified as a Variant of Uncertain Significance.